The following is an entry in ClinVar:

NM_005876.5(SPEG):c.2183del (p.Leu728fs)

Gene: SPEG (striated muscle enriched protein kinase; plus strand). Cytogenetic location: 2q35.
Variant type: Deletion.
Coding change: c.2183del on transcript NM_005876.5 (MANE Select); coding-DNA position 2183, one base deleted (T; older notation c.2183delT).
Protein change: p.Leu728fs; shifts the reading frame from leucine 728.
Molecular consequence: frameshift variant.
Genome position (GRCh38, 1-based): chr2:219,451,205, T deleted. VCF-style (leftmost placement, unchanged base first): chr2-219451204-CT-C. GRCh37 (hg19) VCF-style: chr2-220315926-CT-C.
Other names: short protein forms L728fs.
Identifiers: ClinVar variation 813889 (VCV000813889.1), dbSNP rs1575065895, ClinGen allele CA658795304.
Genomic context (GRCh38, chr2:219,451,204, plus strand): 5'-GATGACTCCTACGTGTCCGCTGGAGAAGAGCCCCTAGAGGCCCCTGTGTTTGAGATCCCC[CT>C]GCAGAATGTGGTGGTGGCACCAGGGGCAGATGTGCTGCTCAAGTGTATCATCACTGCCAA-3'

ClinVar aggregate classification (germline): Likely pathogenic (1 of 4 stars; one submission).

Conditions:
Myopathy, centronuclear, 5 (CNM5). Identifiers: Orphanet 169186, MedGen C4014814, MONDO:0014418, OMIM 615959.

Submission:

Broad Center for Mendelian Genomics, Broad Institute of MIT and Harvard
Classification: Likely pathogenic for Myopathy, centronuclear, 5. Last evaluated: 2018-12-03. Review status: criteria provided, single submitter. Criteria: ACMG Guidelines, 2015. Collection method: research. Allele origin: germline. Inheritance: Autosomal recessive inheritance. Affected: yes.
Comment: This variant was absent from large population studies. A knock-out mouse model for the SPEG gene has a phenotype that matches Centronuclear Myopathy and at least two loss of function variants across multiple exons have been reported in association with Centronuclear Myopathy in the literature (PMID: 19118250, 25087613). This variant is predicted to cause a frameshift, which alters the protein's amino acid sequence beginning at position 782 and leads to a premature termination codon 82 amino acids downstream. This alteration is then predicted to lead to a truncated or absent protein. Loss of function of the SPEG gene is a moderately established disease mechanism in autosomal recessive Centronuclear Myopathy, and this is a loss of function variant. In summary, although additional studies are required to fully establish its clinical significance, this variant is likely pathogenic.